The following is an entry in ClinVar:

NM_017617.5(NOTCH1):c.4437C>T (p.Cys1479=)

Gene: NOTCH1 (notch receptor 1; minus strand). Cytogenetic location: 9q34.3.
Variant type: single nucleotide variant.
Coding change: c.4437C>T on transcript NM_017617.5 (MANE Select); coding-DNA position 4437, C replaced by T.
Protein change: p.Cys1479=; no amino-acid change (cysteine 1479 retained).
Molecular consequence: synonymous variant.
Genome position (GRCh38, 1-based): chr9:136,505,459, G>A on the plus strand (C>T on the coding strand, the complement: NOTCH1 is on the minus strand). VCF-style: chr9-136505459-G-A. GRCh37 (hg19) VCF-style: chr9-139399911-G-A.
Identifiers: ClinVar variation 1740592 (VCV001740592.4), dbSNP rs2133339168, ClinGen allele CA467833207.

ClinVar aggregate classification (germline): Likely benign. Review status: criteria provided, multiple submitters, no conflicts (2 of 4 stars). 2 submissions from 2 submitters: Likely benign (2). Last evaluated 2026-06-01.

Conditions:
Familial thoracic aortic aneurysm and aortic dissection (TAAD). Also called: Thoracic aortic aneurysms and dissections. Identifiers: Orphanet 91387, MedGen C4707243, MONDO:0019625.

Submissions (2):

CeGaT Center for Human Genetics Tuebingen
Classification: Likely benign. Last evaluated: 2026-06-01. Review status: criteria provided, single submitter. Criteria: CeGaT Center For Human Genetics Tuebingen Variant Classification Criteria Version 2. Collection method: clinical testing. Allele origin: germline. Affected: yes. Observed: 2 variant alleles.
Comment: NOTCH1: PM2:Supporting, BP4, BP7

Ambry Genetics
Classification: Likely benign for Familial thoracic aortic aneurysm and aortic dissection. Last evaluated: 2022-07-23. Review status: criteria provided, single submitter. Criteria: Ambry Variant Classification Scheme 2023. Collection method: clinical testing. Allele origin: germline.